The following is an entry in ClinVar:

NM_002489.4(COXFA4):c.156C>G (p.Pro52=)

Gene: COXFA4 (cytochrome c oxidase associated subunit FA4; minus strand). Cytogenetic location: 7p21.3.
Variant type: single nucleotide variant.
Coding change: c.156C>G on transcript NM_002489.4 (MANE Select); coding-DNA position 156, C replaced by G.
Protein change: p.Pro52=; no amino-acid change (proline 52 retained).
Molecular consequence: synonymous variant.
Genome position (GRCh38, 1-based): chr7:10,938,123, G>C on the plus strand (C>G on the coding strand, the complement: COXFA4 is on the minus strand). VCF-style: chr7-10938123-G-C. GRCh37 (hg19) VCF-style: chr7-10977750-G-C.
Identifiers: ClinVar variation 4535312 (VCV004535312.6).

ClinVar aggregate classification (germline): Likely benign (1 of 4 stars; one submission).

gnomAD v4.1: 1 of 1,613,238 alleles (0.000062%); highest among the groups gnomAD compares: Non-Finnish European, 0.000085%; no homozygotes.

Submission:

CeGaT Center for Human Genetics Tuebingen
Classification: Likely benign. Last evaluated: 2025-11-01. Review status: criteria provided, single submitter. Criteria: CeGaT Center For Human Genetics Tuebingen Variant Classification Criteria Version 2. Collection method: clinical testing. Allele origin: germline. Affected: yes. Observed: 1 variant allele.
Comment: COXFA4: BP4, BP7